The following is an entry in ClinVar:

NM_000326.5(RLBP1):c.238C>G (p.Leu80Val)

Gene: RLBP1 (retinaldehyde binding protein 1; minus strand). Cytogenetic location: 15q26.1.
Variant type: single nucleotide variant.
Coding change: c.238C>G on transcript NM_000326.5 (MANE Select); coding-DNA position 238, C replaced by G.
Protein change: p.Leu80Val; replaces leucine 80 with valine.
Molecular consequence: missense variant.
Genome position (GRCh38, 1-based): chr15:89,217,228, G>C on the plus strand (C>G on the coding strand, the complement: RLBP1 is on the minus strand). VCF-style: chr15-89217228-G-C. GRCh37 (hg19) VCF-style: chr15-89760459-G-C.
Other names: short protein forms L80V.
Identifiers: ClinVar variation 959934 (VCV000959934.5), dbSNP rs1380923865, ClinGen allele CA393730869.
Genomic context (GRCh38, chr15:89,217,228, plus strand): 5'-TGAAGCGCAGGAAGAAGCCGCTGTCCTTCTCTTGCACCCTCTCCGCCACGGCCACCGCCA[G>C]CTCCTCCCCCGAGGCCGCCTGCGCCTGCACCATCTCCTGCAGCTCTCGCACTGCCTCCTC-3'
Protein context (NP_000317.1, residues 70-90): VQAQAASGEE[Leu80Val]AVAVAERVQE

ClinVar aggregate classification (germline): Uncertain significance (1 of 4 stars; one submission).

Allele frequency attached by ClinVar (database versions not stated): gnomAD 0.00001 and 0.00002; gnomAD exomes 0.00001; TOPMed 0.00002.
gnomAD v4.1: 8 of 1,612,724 alleles (0.0005%); highest among the groups gnomAD compares: Admixed American, 0.013%; no homozygotes.

Submission:

Labcorp Genetics (formerly Invitae), Labcorp
Classification: Uncertain significance. Last evaluated: 2023-11-06. Review status: criteria provided, single submitter. Criteria: Invitae Variant Classification Sherloc (09022015). Collection method: clinical testing. Allele origin: germline.
Comment: This sequence change replaces leucine, which is neutral and non-polar, with valine, which is neutral and non-polar, at codon 80 of the RLBP1 protein (p.Leu80Val). This variant is present in population databases (no rsID available, gnomAD 0.009%). This variant has not been reported in the literature in individuals affected with RLBP1-related conditions. ClinVar contains an entry for this variant (Variation ID: 959934). An algorithm developed to predict the effect of missense changes on protein structure and function (PolyPhen-2) suggests that this variant¬†is likely to be tolerated. In summary, the available evidence is currently insufficient to determine the role of this variant in disease. Therefore, it has been classified as a Variant of Uncertain Significance.